The following is an entry in ClinVar:

ClinVar aggregate classification (germline): Conflicting classifications of pathogenicity. Review status: criteria provided, conflicting classifications (1 of 4 stars). 3 submissions from 3 submitters: Uncertain significance (2); Likely benign (1). Last evaluated 2024-02-17.

Conditions:
Cortical dysplasia-focal epilepsy syndrome (PTHSL1). Also called: Pitt-Hopkins-like syndrome 1. Identifiers: Orphanet 163681, Orphanet 221150, MedGen C2750246, MONDO:0012400, OMIM 610042.

Allele frequency attached by ClinVar (database versions not stated): gnomAD exomes below 0.00001 and 0.00002; gnomAD 0.00003; TOPMed 0.00003.
gnomAD v4.1: 10 of 1,613,326 alleles (0.00062%); highest among the groups gnomAD compares: Middle Eastern, 0.016%; no homozygotes.

Submissions (3):

Labcorp Genetics (formerly Invitae), Labcorp
Classification: Likely benign for Cortical dysplasia-focal epilepsy syndrome. Last evaluated: 2024-02-17. Review status: criteria provided, single submitter. Criteria: Invitae Variant Classification Sherloc (09022015). Collection method: clinical testing. Allele origin: germline.

Women's Health and Genetics/Laboratory Corporation of America, LabCorp
Classification: Uncertain significance. Last evaluated: 2023-10-12. Review status: criteria provided, single submitter. Criteria: LabCorp Variant Classification Summary - May 2015. Collection method: clinical testing. Allele origin: germline.
Comment: Variant summary: CNTNAP2 c.3798C>T (p.Gly1266Gly) alters a conserved nucleotide located close to a canonical splice site and therefore could affect mRNA splicing, leading to a significantly altered protein sequence. Consensus agreement among computation tools predict no significant impact on normal splicing. However, these predictions have yet to be confirmed by functional studies. The variant allele was found at a frequency of 1.6e-05 in 250004 control chromosomes. The available data on variant occurrences in the general population are insufficient to allow any conclusion about variant significance. To our knowledge, no occurrence of c.3798C>T in individuals affected with Autism, Susceptibility To, 15 and no experimental evidence demonstrating its impact on protein function have been reported. Two submitters have cited clinical-significance assessments for this variant to ClinVar after 2014. All submitters classified the variant as uncertain significance. Based on the evidence outlined above, the variant was classified as uncertain significance.

Illumina Laboratory Services, Illumina
Classification: Uncertain significance for Cortical dysplasia-focal epilepsy syndrome. Last evaluated: 2018-01-13. Review status: criteria provided, single submitter. Criteria: ICSL Variant Classification Criteria 13 December 2019. Collection method: clinical testing. Allele origin: germline.

NM_014141.6(CNTNAP2):c.3798C>T (p.Gly1266=)

Gene: CNTNAP2 (contactin associated protein 2; plus strand). Cytogenetic location: 7q36.1.
Variant type: single nucleotide variant.
Coding change: c.3798C>T on transcript NM_014141.6 (MANE Select); coding-DNA position 3798, C replaced by T.
Protein change: p.Gly1266=; no amino-acid change (glycine 1266 retained).
Molecular consequence: synonymous variant.
Genome position (GRCh38, 1-based): chr7:148,415,418, C>T. VCF-style: chr7-148415418-C-T. GRCh37 (hg19) VCF-style: chr7-148112510-C-T.
Identifiers: ClinVar variation 908604 (VCV000908604.12), dbSNP rs1483110052, ClinGen allele CA458340411.